The following is an entry in ClinVar:

ClinVar aggregate classification (germline): Likely pathogenic. Review status: criteria provided, multiple submitters, no conflicts (2 of 4 stars). 2 submissions from 2 submitters: Likely pathogenic (2). Last evaluated 2026-05-27.

Conditions:
TGFBR1-related disorder. Also called: TGFBR1-related condition.
Familial thoracic aortic aneurysm and aortic dissection (TAAD). Also called: Thoracic aortic aneurysms and dissections. Identifiers: Orphanet 91387, MedGen C4707243, MONDO:0019625.

Submissions (2):

PreventionGenetics, part of Exact Sciences
Classification: Likely pathogenic for TGFBR1-related condition. Last evaluated: 2026-05-27. Review status: criteria provided, single submitter. Criteria: ACMG Guidelines, 2015. Collection method: clinical testing. Allele origin: germline.
Comment: The TGFBR1 c.860C>A variant is predicted to result in the amino acid substitution p.Ser287Tyr. To our knowledge, this variant has not been reported in the literature or in a large population database (gnomAD), indicating this variant is rare. This variant is located in the serine-threonine kinase domain (amino acids 206-496; Wrana et al. 1994. PubMed ID: 8047140), which is a hot spot for disease causing variants. This variant is interpreted as likely pathogenic.

Labcorp Genetics (formerly Invitae), Labcorp
Classification: Likely pathogenic for Familial thoracic aortic aneurysm and aortic dissection. Last evaluated: 2018-02-19. Review status: criteria provided, single submitter. Criteria: Invitae Variant Classification Sherloc (09022015). Collection method: clinical testing. Allele origin: germline.
Comment: In summary, the currently available evidence indicates that the variant is pathogenic, but additional data are needed to prove that conclusively. Therefore, this variant has been classified as Likely Pathogenic. Algorithms developed to predict the effect of missense changes on protein structure and function (SIFT, PolyPhen-2, Align-GVGD) all suggest that this variant is likely to be disruptive, but these predictions have not been confirmed by published functional studies and their clinical significance is uncertain. This variant is not present in population databases (ExAC no frequency). This sequence change replaces serine with tyrosine at codon 287 of the TGFBR1 protein (p.Ser287Tyr). The serine residue is highly conserved and there is a large physicochemical difference between serine and tyrosine.

NM_004612.4(TGFBR1):c.860C>A (p.Ser287Tyr)

Gene: TGFBR1 (transforming growth factor beta receptor 1; plus strand). Cytogenetic location: 9q22.33.
Variant type: single nucleotide variant.
Coding change: c.860C>A on transcript NM_004612.4 (MANE Select); coding-DNA position 860, C replaced by A.
Protein change: p.Ser287Tyr; replaces serine 287 with tyrosine.
Molecular consequence: missense variant.
Genome position (GRCh38, 1-based): chr9:99,142,590, C>A. VCF-style: chr9-99142590-C-A. GRCh37 (hg19) VCF-style: chr9-101904872-C-A.
Other names: c.629C>A, p.Ser210Tyr (NM_001130916.3); c.872C>A, p.Ser291Tyr (NM_001306210.2); c.860C>A (NM_004612.3); short protein forms S287Y, S210Y, S291Y.
Identifiers: ClinVar variation 575933 (VCV000575933.10), dbSNP rs863223832, ClinGen allele CA374230607.
Genomic context (GRCh38, chr9:99,142,590, plus strand): 5'-TTACAGACAATGGTACTTGGACTCAGCTCTGGTTGGTGTCAGATTATCATGAGCATGGAT[C>A]CCTTTTTGATTACTTAAACAGATACACAGTTACTGTGGAAGGAATGATAAAACTTGCTCT-3'
Protein context (NP_004603.1, residues 277-297): WLVSDYHEHG[Ser287Tyr]LFDYLNRYTV